The following is an entry in ClinVar:

NM_014946.4(SPAST):c.1539_1540del (p.Arg514fs)

Gene: SPAST (spastin; plus strand). Cytogenetic location: 2p22.3.
Variant type: Deletion.
Coding change: c.1539_1540del on transcript NM_014946.4 (MANE Select); coding-DNA positions 1539 to 1540, 2 bases deleted (AA; older notation c.1539_1540delAA).
Protein change: p.Arg514fs; shifts the reading frame from arginine 514.
Molecular consequence: frameshift variant.
Genome position (GRCh38, 1-based): chr2:32,143,338-32,143,339, AA deleted. VCF-style (leftmost placement, unchanged base first): chr2-32143337-CAA-C. GRCh37 (hg19) VCF-style: chr2-32368406-CAA-C.
Other names: c.1536_1537del, p.Arg513fs (NM_001363823.2); c.1440_1441del, p.Arg481fs (NM_001363875.2); c.1443_1444del, p.Arg482fs (NM_001377959.1, NM_199436.2); short protein forms R481fs, R482fs, R513fs, R514fs.
Identifiers: ClinVar variation 1072047 (VCV001072047.7), dbSNP rs2148759370, ClinGen allele CA2499215914.

ClinVar aggregate classification (germline): Pathogenic (1 of 4 stars; one submission).

Conditions:
Hereditary spastic paraplegia 4. Also called: Spastic paraplegia 4, autosomal dominant; Spastic Paraplegia 4; Familial spastic paraplegia autosomal dominant 2. Identifiers: Orphanet 100985, MedGen C1866855, MONDO:0008438, OMIM 182601.

Submission:

Labcorp Genetics (formerly Invitae), Labcorp
Classification: Pathogenic for Hereditary spastic paraplegia 4. Last evaluated: 2021-09-24. Review status: criteria provided, single submitter. Criteria: Invitae Variant Classification Sherloc (09022015). Collection method: clinical testing. Allele origin: germline.
Comment: For these reasons, this variant has been classified as Pathogenic. ClinVar contains an entry for this variant (Variation ID: 1072047). This variant has not been reported in the literature in individuals affected with SPAST-related conditions. This variant is not present in population databases (ExAC no frequency). This sequence change creates a premature translational stop signal (p.Arg514Thrfs*5) in the SPAST gene. It is expected to result in an absent or disrupted protein product. Loss-of-function variants in SPAST are known to be pathogenic (PMID: 20932283).

Literature cited by the submitters: PubMed 20932283.